The following is an entry in ClinVar:

NM_000550.3(TYRP1):c.1527A>C (p.Glu509Asp)

Genes: LURAP1L-AS1 (LURAP1L antisense RNA 1; minus strand), TYRP1 (tyrosinase related protein 1; plus strand). Cytogenetic location: 9p23.
Variant type: single nucleotide variant.
Coding change: c.1527A>C on transcript NM_000550.3 (MANE Select); coding-DNA position 1527, A replaced by C.
Protein change: p.Glu509Asp; replaces glutamic acid 509 with aspartic acid.
Molecular consequence: missense variant.
Genome position (GRCh38, 1-based): chr9:12,709,095, A>C. VCF-style: chr9-12709095-A-C. GRCh37 (hg19) VCF-style: chr9-12709095-A-C.
Other names: short protein forms E509D.
Identifiers: ClinVar variation 1379430 (VCV001379430.3), dbSNP rs754252772, ClinGen allele CA4985610.

ClinVar aggregate classification (germline): Uncertain significance (1 of 4 stars; one submission).

Allele frequency attached by ClinVar (database versions not stated): gnomAD exomes below 0.00001 and 0.00001; ExAC 0.00001; TOPMed 0.00001; gnomAD 0.00003.

Submission:

Labcorp Genetics (formerly Invitae), Labcorp
Classification: Uncertain significance. Last evaluated: 2021-09-03. Review status: criteria provided, single submitter. Criteria: Invitae Variant Classification Sherloc (09022015). Collection method: clinical testing. Allele origin: germline.
Comment: This sequence change replaces glutamic acid with aspartic acid at codon 509 of the TYRP1 protein (p.Glu509Asp). The glutamic acid residue is highly conserved and there is a small physicochemical difference between glutamic acid and aspartic acid. This variant is present in population databases (rs754252772, ExAC 0.01%). This variant has not been reported in the literature in individuals affected with TYRP1-related conditions. Algorithms developed to predict the effect of missense changes on protein structure and function (SIFT, PolyPhen-2, Align-GVGD) all suggest that this variant is likely to be tolerated. In summary, the available evidence is currently insufficient to determine the role of this variant in disease. Therefore, it has been classified as a Variant of Uncertain Significance.